The following is an entry in ClinVar:

NM_000138.5(FBN1):c.3209-1G>A

Gene: FBN1 (fibrillin 1; minus strand). Cytogenetic location: 15q21.1.
Variant type: single nucleotide variant.
Coding change: c.3209-1G>A on transcript NM_000138.5 (MANE Select); the canonical splice acceptor site of the intron before coding-DNA position 3209, G replaced by A.
Molecular consequence: splice acceptor variant.
Genome position (GRCh38, 1-based): chr15:48,488,242, C>T on the plus strand (G>A on the coding strand, the complement: FBN1 is on the minus strand). VCF-style: chr15-48488242-C-T. GRCh37 (hg19) VCF-style: chr15-48780439-C-T.
Other names: c.3209-1G>A (NM_001406716.1).
Identifiers: ClinVar variation 3230412 (VCV003230412.1), dbSNP rs886038956, ClinGen allele CA392327774.

ClinVar aggregate classification (germline): Likely pathogenic (1 of 4 stars; one submission).

Conditions:
Familial thoracic aortic aneurysm and aortic dissection (TAAD). Also called: Thoracic aortic aneurysms and dissections. Identifiers: Orphanet 91387, MedGen C4707243, MONDO:0019625.

Submission:

Ambry Genetics
Classification: Likely pathogenic for Familial thoracic aortic aneurysm and aortic dissection. Last evaluated: 2024-02-22. Review status: criteria provided, single submitter. Criteria: Ambry Variant Classification Scheme 2023. Collection method: clinical testing. Allele origin: germline.
Comment: The c.3209-1G>A intronic variant results from a G to A substitution one nucleotide upstream from coding exon 26 of the FBN1 gene. Alterations that disrupt the canonical splice site are expected to result in aberrant splicing. In silico splice site analysis predicts that this alteration will weaken the native splice acceptor site and will result in the creation or strengthening of a novel splice acceptor site. The resulting transcript is predicted to be in-frame and is not expected to trigger nonsense-mediated mRNAdecay; however, direct evidence is unavailable. The exact functional effect of the altered amino acid sequence is unknown; however, the impacted region is critical for protein function (Ambry internal data). This variant has been reported in an individual from a Marfan syndrome cohort but clinical details were limited (Takeda N et al. Circ Genom Precis Med, 2018 Jun;11:e002058). This variant has been observed in at least one additional individual with a personal history that is consistent with Marfan syndrome (Ambry internal data). This variant is considered to be rare based on population cohorts in the Genome Aggregation Database (gnomAD). This nucleotide position is highly conserved in available vertebrate species. Based on the majority of available evidence to date, this variant is likely to be pathogenic.

Literature cited by the submitters: PubMed 29848614.